The following is an entry in ClinVar:

NM_173685.4(NSMCE2):c.114G>C (p.Met38Ile)

Gene: NSMCE2 (NSE2 SUMO ligase component of SMC5/6 complex; plus strand). Cytogenetic location: 8q24.13.
Variant type: single nucleotide variant.
Coding change: c.114G>C on transcript NM_173685.4 (MANE Select); coding-DNA position 114, G replaced by C.
Protein change: p.Met38Ile; replaces methionine 38 with isoleucine.
Molecular consequence: missense variant. On other transcripts: non-coding transcript variant (2).
Genome position (GRCh38, 1-based): chr8:125,102,444, G>C. VCF-style: chr8-125102444-G-C. GRCh37 (hg19) VCF-style: chr8-126114686-G-C.
Other names: c.114G>C, p.Met38Ile (NM_001349485.2, NM_001349486.2, NM_001349487.2); short protein forms M38I.
Identifiers: ClinVar variation 2071809 (VCV002071809.4), dbSNP rs147875429, ClinGen allele CA4874279.

ClinVar aggregate classification (germline): Uncertain significance (1 of 4 stars; one submission).

Allele frequency attached by ClinVar (database versions not stated): ExAC 0.00002; gnomAD exomes below 0.00001; TOPMed 0.00001; ESP Exome Variant Server 0.00008.
gnomAD v4.1: 1 of 1,613,852 alleles (0.000062%); highest among the groups gnomAD compares: African/African-American, 0.0013%; no homozygotes.

Submission:

Labcorp Genetics (formerly Invitae), Labcorp
Classification: Uncertain significance. Last evaluated: 2022-10-17. Review status: criteria provided, single submitter. Criteria: Invitae Variant Classification Sherloc (09022015). Collection method: clinical testing. Allele origin: germline.
Comment: In summary, the available evidence is currently insufficient to determine the role of this variant in disease. Therefore, it has been classified as a Variant of Uncertain Significance. Algorithms developed to predict the effect of missense changes on protein structure and function are either unavailable or do not agree on the potential impact of this missense change (SIFT: "Tolerated"; PolyPhen-2: "Possibly Damaging"; Align-GVGD: "Class C0"). This variant has not been reported in the literature in individuals affected with NSMCE2-related conditions. This variant is present in population databases (rs147875429, gnomAD 0.007%). This sequence change replaces methionine, which is neutral and non-polar, with isoleucine, which is neutral and non-polar, at codon 38 of the NSMCE2 protein (p.Met38Ile).